The following is an entry in ClinVar:

NM_007294.4(BRCA1):c.5182A>G (p.Met1728Val)

Gene: BRCA1 (BRCA1 DNA repair associated; minus strand). Cytogenetic location: 17q21.31.
Variant type: single nucleotide variant.
Coding change: c.5182A>G on transcript NM_007294.4 (MANE Select); coding-DNA position 5182, A replaced by G.
Protein change: p.Met1728Val; replaces methionine 1728 with valine.
Molecular consequence: missense variant. On other transcripts: non-coding transcript variant (1).
Genome position (GRCh38, 1-based): chr17:43,063,344, T>C on the plus strand (A>G on the coding strand, the complement: BRCA1 is on the minus strand). VCF-style: chr17-43063344-T-C. GRCh37 (hg19) VCF-style: chr17-41215361-T-C.
Other names: c.4969A>G, p.Met1657Val (NM_001407571.1, NM_001407900.1, NM_001407902.1 and 12 more transcripts); c.5248A>G, p.Met1750Val (NM_001407581.1, NM_001407582.1); c.5245A>G, p.Met1749Val (NM_001407583.1, NM_001407585.1, NM_001407587.1 and 1 more transcripts); c.5179A>G, p.Met1727Val (NM_001407610.1, NM_001407611.1, NM_001407612.1 and 17 more transcripts); c.5176A>G, p.Met1726Val (NM_001407629.1, NM_001407630.1, NM_001407631.1 and 14 more transcripts); c.5122A>G, p.Met1708Val (NM_001407649.1); c.5104A>G, p.Met1702Val (NM_001407652.1, NM_001407653.1, NM_001407654.1 and 1 more transcripts); c.5101A>G, p.Met1701Val (NM_001407656.1, NM_001407657.1, NM_001407658.1); and 72 more; short protein forms M1749V, M1681V, M1728V, M624V, M1599V, M1658V, M1685V, M1709V.
Identifiers: ClinVar variation 867776 (VCV000867776.5), dbSNP rs2051858497, ClinGen allele CA10591179.

ClinVar aggregate classification (germline): Uncertain significance (1 of 4 stars; one submission).

Conditions:
Hereditary breast ovarian cancer syndrome. Also called: Hereditary breast and ovarian cancer; Hereditary breast and ovarian cancer syndrome (HBOC); Breast and ovarian cancer; Hereditary breast and/or ovarian cancer syndrome; BRCA1- and BRCA2-Associated Hereditary Breast and Ovarian Cancer; Hereditary breast and ovarian cancer syndrome. Identifiers: Orphanet 145, MedGen C0677776, MeSH D061325, MONDO:0003582. Disease mechanism: loss of function.

Allele frequency attached by ClinVar (database versions not stated): gnomAD exomes below 0.00001.

Submissions (2):

Labcorp Genetics (formerly Invitae), Labcorp
Classification: Uncertain significance for Hereditary breast ovarian cancer syndrome. Last evaluated: 2024-04-11. Review status: criteria provided, single submitter. Criteria: Invitae Variant Classification Sherloc (09022015). Collection method: clinical testing. Allele origin: germline.
Comment: This sequence change replaces methionine, which is neutral and non-polar, with valine, which is neutral and non-polar, at codon 1728 of the BRCA1 protein (p.Met1728Val). This variant is not present in population databases (gnomAD no frequency). This variant has not been reported in the literature in individuals affected with BRCA1-related conditions. ClinVar contains an entry for this variant (Variation ID: 867776). Advanced modeling performed at Invitae incorporating data from internal and/or published experimental studies (PMID: 30209399) indicates that this missense variant is not expected to disrupt BRCA1 function with a negative predictive value of 95%. In summary, the available evidence is currently insufficient to determine the role of this variant in disease. Therefore, it has been classified as a Variant of Uncertain Significance.

Brotman Baty Institute, University of Washington
No classification provided (evidence only). Condition: Breast-ovarian cancer, familial 1. Review status: no classification provided. Collection method: in vitro. Allele origin: not applicable. Functional consequence: functionally_normal. Not counted in ClinVar's aggregate classification.
ClinVar note: "not provided" was previously submitted as the classification for the variant. However, the classification appeared to be based only on an observation of functional data so it was converted to no classification on 2025-07-30.

Literature cited by the submitters: PubMed 30209399 (cited by Labcorp Genetics (formerly Invitae), Labcorp).